The following is an entry in ClinVar:

NM_001134831.2(AHI1):c.3325G>T (p.Glu1109Ter)

Gene: AHI1 (Abelson helper integration site 1; minus strand). Cytogenetic location: 6q23.3.
Variant type: single nucleotide variant.
Coding change: c.3325G>T on transcript NM_001134831.2 (MANE Select); coding-DNA position 3325, G replaced by T.
Protein change: p.Glu1109Ter; replaces glutamic acid 1109 with a stop codon.
Molecular consequence: nonsense.
Genome position (GRCh38, 1-based): chr6:135,323,165, C>A on the plus strand (G>T on the coding strand, the complement: AHI1 is on the minus strand). VCF-style: chr6-135323165-C-A. GRCh37 (hg19) VCF-style: chr6-135644303-C-A.
Other names: c.3325G>T, p.Glu1109Ter (NM_001134830.2, NM_001350503.2, NM_001350504.2 and 1 more transcripts); short protein forms E1109*.
Identifiers: ClinVar variation 5006972 (VCV005006972.2).

ClinVar aggregate classification (germline): Likely pathogenic (1 of 4 stars; one submission).

Conditions:
Joubert syndrome 3 (JBTS3). Also called: AHI1-related Ciliopathy. Identifiers: Orphanet 220493, MedGen C1837713, MONDO:0012078, OMIM 608629.

Submission:

Juno Genomics, Hangzhou Juno Genomics, Inc
Classification: Likely pathogenic for Joubert syndrome 3. Review status: criteria provided, single submitter. Criteria: ACMG Guidelines, 2015. Collection method: clinical testing. Allele origin: germline.
Comment: Null variant in a gene where loss of function (LOF) is a known mechanism of disease.;Absent from controls (or at extremely low frequency if recessive) in Genome Aggregation Database.